The following is an entry in ClinVar:

ClinVar aggregate classification (germline): Uncertain significance (1 of 4 stars; one submission).

Conditions:
Inborn genetic diseases. Identifiers: MedGen C0950123, MeSH D030342.

Submission:

Ambry Genetics
Classification: Uncertain significance for Inborn genetic diseases. Last evaluated: 2025-02-05. Review status: criteria provided, single submitter. Criteria: Ambry Variant Classification Scheme 2023. Collection method: clinical testing. Allele origin: germline.
Comment: The p.M1357I variant (also known as c.4071G>A), located in coding exon 1 of the SAMD9L gene, results from a G to A substitution at nucleotide position 4071. The methionine at codon 1357 is replaced by isoleucine, an amino acid with highly similar properties. This amino acid position is conserved. In addition, this alteration is predicted to be tolerated by in silico analysis. Based on the available evidence, the clinical significance of this variant remains unclear.

NM_152703.5(SAMD9L):c.4071G>A (p.Met1357Ile)

Gene: SAMD9L (sterile alpha motif domain containing 9 like; minus strand). Cytogenetic location: 7q21.2.
Variant type: single nucleotide variant.
Coding change: c.4071G>A on transcript NM_152703.5 (MANE Select); coding-DNA position 4071, G replaced by A.
Protein change: p.Met1357Ile; replaces methionine 1357 with isoleucine.
Molecular consequence: missense variant.
Genome position (GRCh38, 1-based): chr7:93,131,901, C>T on the plus strand (G>A on the coding strand, the complement: SAMD9L is on the minus strand). VCF-style: chr7-93131901-C-T. GRCh37 (hg19) VCF-style: chr7-92761214-C-T.
Other names: c.4071G>A, p.Met1357Ile (NM_001303496.3, NM_001303497.3, NM_001303498.3 and 5 more transcripts); short protein forms M1357I.
Identifiers: ClinVar variation 3792393 (VCV003792393.1).